The following is an entry in ClinVar:

NM_003919.3(SGCE):c.463+6T>G

Genes: CASD1 (CAS1 domain sialic acid O acetyltransferase 1; plus strand), SGCE (sarcoglycan epsilon; minus strand). Cytogenetic location: 7q21.3.
Variant type: single nucleotide variant.
Coding change: c.463+6T>G on transcript NM_003919.3 (MANE Select); 6 bases into the intron after coding-DNA position 463, T replaced by G.
Molecular consequence: intron variant.
Genome position (GRCh38, 1-based): chr7:94,623,319, A>C on the plus strand (T>G on the coding strand, the complement: SGCE is on the minus strand). VCF-style: chr7-94623319-A-C. GRCh37 (hg19) VCF-style: chr7-94252631-A-C.
Other names: c.340+6T>G (NM_001362809.2, NM_001301139.2); c.463+6T>G (NM_001346717.2, NM_001099400.2, NM_001099401.2); c.571+6T>G (NM_001346715.2, NM_001346713.2); c.376+6T>G (NM_001362807.2, NM_001346719.2); c.190+6T>G (NM_001362808.2, NM_001346720.2).
Identifiers: ClinVar variation 1046449 (VCV001046449.8), dbSNP rs754002445, ClinGen allele CA4348796.

ClinVar aggregate classification (germline): Uncertain significance (1 of 4 stars; one submission).

Conditions:
Myoclonic dystonia 11 (DYT11). Also called: DYT-SGCE; Myoclonic dystonia; Dystonia 11; Dystonia, alcohol responsive; Hereditary essential myoclonus; SGCE Myoclonus-Dystonia. Identifiers: Orphanet 36899, MedGen C1834570, MONDO:0008044, OMIM 159900.

Allele frequency attached by ClinVar (database versions not stated): gnomAD exomes below 0.00001; ExAC 0.00001.
gnomAD v4.1: 5 of 1,540,754 alleles (0.00032%); highest among the groups gnomAD compares: Admixed American, 0.0034%; no homozygotes.

Submission:

Labcorp Genetics (formerly Invitae), Labcorp
Classification: Uncertain significance for Myoclonic dystonia 11. Last evaluated: 2024-02-23. Review status: criteria provided, single submitter. Criteria: Invitae Variant Classification Sherloc (09022015). Collection method: clinical testing. Allele origin: germline.
Comment: This sequence change falls in intron 4 of the SGCE gene. It does not directly change the encoded amino acid sequence of the SGCE protein. It affects a nucleotide within the consensus splice site. This variant is present in population databases (rs754002445, gnomAD 0.003%). This variant has not been reported in the literature in individuals affected with SGCE-related conditions. ClinVar contains an entry for this variant (Variation ID: 1046449). Variants that disrupt the consensus splice site are a relatively common cause of aberrant splicing (PMID: 17576681, 9536098). Algorithms developed to predict the effect of sequence changes on RNA splicing suggest that this variant may disrupt the consensus splice site. In summary, the available evidence is currently insufficient to determine the role of this variant in disease. Therefore, it has been classified as a Variant of Uncertain Significance.

Literature cited by the submitters: PubMed 17576681; PubMed 9536098.